The following is an entry in ClinVar:

NM_007254.4(PNKP):c.199-170G>A

Gene: PNKP (polynucleotide kinase 3'-phosphatase; minus strand). Cytogenetic location: 19q13.33.
Variant type: single nucleotide variant.
Coding change: c.199-170G>A on transcript NM_007254.4 (MANE Select); 170 bases into the intron before coding-DNA position 199, G replaced by A.
Molecular consequence: intron variant.
Genome position (GRCh38, 1-based): chr19:49,865,596, C>T on the plus strand (G>A on the coding strand, the complement: PNKP is on the minus strand). VCF-style: chr19-49865596-C-T. GRCh37 (hg19) VCF-style: chr19-50368853-C-T.
Identifiers: ClinVar variation 667945 (VCV000667945.2), dbSNP rs3739177, ClinGen allele CA15948817.

ClinVar aggregate classification (germline): Benign. Review status: criteria provided, multiple submitters, no conflicts (2 of 4 stars). 2 submissions from 2 submitters: Benign (2). Last evaluated 2018-06-14.

Allele frequency attached by ClinVar (database versions not stated): 1000 Genomes Project 30x 0.05559; 1000 Genomes Project 0.05611; TOPMed 0.06740; gnomAD 0.07008 and 0.07019; gnomAD exomes 0.07667.
gnomAD v4.1: 41,045 of 547,908 alleles (7.5%); highest among the groups gnomAD compares: Middle Eastern, 13%; 1,766 homozygotes.

Submissions (2):

GeneDx
Classification: Benign. Last evaluated: 2018-06-14. Review status: criteria provided, single submitter. Criteria: GeneDx Variant Classification (06012015). Collection method: clinical testing. Allele origin: germline. Affected: yes.
Comment: This variant is considered likely benign or benign based on one or more of the following criteria: it is a conservative change, it occurs at a poorly conserved position in the protein, it is predicted to be benign by multiple in silico algorithms, and/or has population frequency not consistent with disease.

Breakthrough Genomics
Classification: Benign. Review status: criteria provided, single submitter. Criteria: ACMG Guidelines, 2015. Collection method: not provided. Allele origin: germline. Inheritance: Autosomal recessive inheritance. Affected: yes.